The following is an entry in ClinVar:

NM_005560.6(LAMA5):c.6131C>T (p.Ala2044Val)

Gene: LAMA5 (laminin subunit alpha 5; minus strand). Cytogenetic location: 20q13.33.
Variant type: single nucleotide variant.
Coding change: c.6131C>T on transcript NM_005560.6 (MANE Select); coding-DNA position 6131, C replaced by T.
Protein change: p.Ala2044Val; replaces alanine 2044 with valine.
Molecular consequence: missense variant.
Genome position (GRCh38, 1-based): chr20:62,322,692, G>A on the plus strand (C>T on the coding strand, the complement: LAMA5 is on the minus strand). VCF-style: chr20-62322692-G-A. GRCh37 (hg19) VCF-style: chr20-60897748-G-A.
Other names: short protein forms A2044V.
Identifiers: ClinVar variation 2052148 (VCV002052148.6), dbSNP rs200103455, ClinGen allele CA9941880.

ClinVar aggregate classification (germline): Conflicting classifications of pathogenicity. Review status: criteria provided, conflicting classifications (1 of 4 stars). 2 submissions from 2 submitters: Uncertain significance (1); Likely benign (1). Last evaluated 2024-10-29.

Conditions:
Inborn genetic diseases. Identifiers: MedGen C0950123, MeSH D030342.

Allele frequency attached by ClinVar (database versions not stated): ESP Exome Variant Server 0.00016; TOPMed 0.00020; gnomAD 0.00035; 1000 Genomes Project 0.00060; 1000 Genomes Project 30x 0.00062; ExAC 0.00077.
gnomAD v4.1: 567 of 1,366,932 alleles (0.041%); highest among the groups gnomAD compares: Middle Eastern, 0.14%; 1 homozygote.

Submissions (3):

Labcorp Genetics (formerly Invitae), Labcorp
Classification: Uncertain significance. Last evaluated: 2024-10-29. Review status: criteria provided, single submitter. Criteria: Invitae Variant Classification Sherloc (09022015). Collection method: clinical testing. Allele origin: germline.
Comment: This sequence change replaces alanine, which is neutral and non-polar, with valine, which is neutral and non-polar, at codon 2044 of the LAMA5 protein (p.Ala2044Val). This variant is present in population databases (rs200103455, gnomAD 0.1%). This variant has not been reported in the literature in individuals affected with LAMA5-related conditions. ClinVar contains an entry for this variant (Variation ID: 2052148). An algorithm developed to predict the effect of missense changes on protein structure and function outputs the following: PolyPhen-2: "Possibly Damaging". The valine amino acid residue is found in multiple mammalian species, which suggests that this missense change does not adversely affect protein function. In summary, the available evidence is currently insufficient to determine the role of this variant in disease. Therefore, it has been classified as a Variant of Uncertain Significance.

Ambry Genetics
Classification: Likely benign for Inborn genetic diseases. Last evaluated: 2024-09-24. Review status: criteria provided, single submitter. Criteria: Ambry Variant Classification Scheme 2023. Collection method: clinical testing. Allele origin: germline.

Dr. Peter K. Rogan Lab, Western University
No classification provided (evidence only). Condition: Gastric cancer. Review status: no classification provided. Collection method: in vitro. Allele origin: not applicable. Functional consequence: retained intron. Not counted in ClinVar's aggregate classification.